The following is an entry in ClinVar:

NM_005618.4(DLL1):c.1904G>A (p.Arg635His)

Gene: DLL1 (delta like canonical Notch ligand 1; minus strand). Cytogenetic location: 6q27.
Variant type: single nucleotide variant.
Coding change: c.1904G>A on transcript NM_005618.4 (MANE Select); coding-DNA position 1904, G replaced by A.
Protein change: p.Arg635His; replaces arginine 635 with histidine.
Molecular consequence: missense variant.
Genome position (GRCh38, 1-based): chr6:170,283,375, C>T on the plus strand (G>A on the coding strand, the complement: DLL1 is on the minus strand). VCF-style: chr6-170283375-C-T. GRCh37 (hg19) VCF-style: chr6-170592463-C-T.
Other names: c.1904G>A (NM_005618.3); short protein forms R635H.
Identifiers: ClinVar variation 2848274 (VCV002848274.5), dbSNP rs748926071, ClinGen allele CA4106688.

ClinVar aggregate classification (germline): Conflicting classifications of pathogenicity. Review status: criteria provided, conflicting classifications (1 of 4 stars). 3 submissions from 3 submitters: Uncertain significance (1); Likely benign (2). Last evaluated 2026-05-11.

Conditions:
DLL1-related disorder. Also called: DLL1-related condition.
Inborn genetic diseases. Identifiers: MedGen C0950123, MeSH D030342.

Allele frequency attached by ClinVar (database versions not stated): ExAC 0.00005; TOPMed 0.00006; gnomAD 0.00007.
gnomAD v4.1: 89 of 1,611,694 alleles (0.0055%); highest among the groups gnomAD compares: Middle Eastern, 0.049%; no homozygotes.

Submissions (3):

PreventionGenetics, part of Exact Sciences
Classification: Likely benign for DLL1-related condition. Last evaluated: 2026-05-11. Review status: criteria provided, single submitter. Criteria: ACMG Guidelines, 2015. Collection method: clinical testing. Allele origin: germline.
Comment: This variant is classified as likely benign based on ACMG/AMP sequence variant interpretation guidelines (Richards et al. 2015 PMID: 25741868, with internal and published modifications).

Ambry Genetics
Classification: Likely benign for Inborn genetic diseases. Last evaluated: 2025-08-09. Review status: criteria provided, single submitter. Criteria: Ambry Variant Classification Scheme 2023. Collection method: clinical testing. Allele origin: germline.

Labcorp Genetics (formerly Invitae), Labcorp
Classification: Uncertain significance. Last evaluated: 2024-11-30. Review status: criteria provided, single submitter. Criteria: Invitae Variant Classification Sherloc (09022015). Collection method: clinical testing. Allele origin: germline.
Comment: This sequence change replaces arginine, which is basic and polar, with histidine, which is basic and polar, at codon 635 of the DLL1 protein (p.Arg635His). This variant is present in population databases (rs748926071, gnomAD 0.07%), and has an allele count higher than expected for a pathogenic variant. This variant has not been reported in the literature in individuals affected with DLL1-related conditions. ClinVar contains an entry for this variant (Variation ID: 2848274). An algorithm developed to predict the effect of missense changes on protein structure and function (PolyPhen-2) suggests that this variant is likely to be tolerated. In summary, the available evidence is currently insufficient to determine the role of this variant in disease. Therefore, it has been classified as a Variant of Uncertain Significance.